The following is an entry in ClinVar:

NM_000543.5(SMPD1):c.167G>A (p.Trp56Ter)

Gene: SMPD1 (sphingomyelin phosphodiesterase 1; plus strand). Cytogenetic location: 11p15.4.
Variant type: single nucleotide variant.
Coding change: c.167G>A on transcript NM_000543.5 (MANE Select); coding-DNA position 167, G replaced by A.
Protein change: p.Trp56Ter; replaces tryptophan 56 with a stop codon.
Molecular consequence: nonsense. On other transcripts: 5 prime UTR variant (1), non-coding transcript variant (2).
Genome position (GRCh38, 1-based): chr11:6,390,765, G>A. VCF-style: chr11-6390765-G-A. GRCh37 (hg19) VCF-style: chr11-6411995-G-A.
Other names: c.167G>A, p.Trp56Ter (NM_001007593.3, NM_001318087.2, NM_001365135.2); c.-795G>A (NM_001318088.2); short protein forms W56*.
Identifiers: ClinVar variation 1353540 (VCV001353540.8), dbSNP rs2134006149, ClinGen allele CA379367739.

ClinVar aggregate classification (germline): Pathogenic/Likely pathogenic. Review status: criteria provided, multiple submitters, no conflicts (2 of 4 stars). 3 submissions from 3 submitters: Pathogenic (2); Likely pathogenic (1). Last evaluated 2024-06-19.

Conditions:
Niemann-Pick disease, type A. Also called: Infantile Neurovisceral ASMD (Niemann-Pick Disease Type A; NPD-A); SPHINGOMYELIN LIPIDOSIS; SPHINGOMYELINASE DEFICIENCY. Identifiers: Orphanet 77292, MedGen C0268242, MONDO:0009756, OMIM 257200. Disease mechanism: loss of function.
Niemann-Pick disease, type B. Also called: Chronic Visceral ASMD (Niemann-Pick Disease Type B; NPD-B). Identifiers: Orphanet 77293, MedGen C0268243, MONDO:0011871, OMIM 607616. Disease mechanism: loss of function.

gnomAD v4.1: 2 of 1,613,512 alleles (0.00012%); highest among the groups gnomAD compares: Non-Finnish European, 0.00017%; no homozygotes.

Submissions (3):

Fulgent Genetics
Classification: Likely pathogenic for Niemann-Pick disease, type A; Niemann-Pick disease, type B. Last evaluated: 2024-06-19. Review status: criteria provided, single submitter. Criteria: ACMG Guidelines, 2015. Collection method: clinical testing. Allele origin: germline.

Labcorp Genetics (formerly Invitae), Labcorp
Classification: Pathogenic for Niemann-Pick disease, type B; Niemann-Pick disease, type A. Last evaluated: 2023-11-17. Review status: criteria provided, single submitter. Criteria: Invitae Variant Classification Sherloc (09022015). Collection method: clinical testing. Allele origin: germline.
Comment: This sequence change creates a premature translational stop signal (p.Trp56*) in the SMPD1 gene. It is expected to result in an absent or disrupted protein product. Loss-of-function variants in SMPD1 are known to be pathogenic (PMID: 12369017, 15221801). This variant is not present in population databases (gnomAD no frequency). This variant has not been reported in the literature in individuals affected with SMPD1-related conditions. ClinVar contains an entry for this variant (Variation ID: 1353540). Algorithms developed to predict the effect of sequence changes on RNA splicing suggest that this variant may create or strengthen a splice site. For these reasons, this variant has been classified as Pathogenic.

Baylor Genetics
Classification: Pathogenic for Niemann-Pick disease, type A. Last evaluated: 2023-01-30. Review status: criteria provided, single submitter. Criteria: ACMG Guidelines, 2015. Collection method: clinical testing. Allele origin: unknown.

Literature cited by the submitters: PubMed 12369017 (cited by Labcorp Genetics (formerly Invitae), Labcorp); PubMed 15221801 (cited by Labcorp Genetics (formerly Invitae), Labcorp).